The following is an entry in ClinVar:

ClinVar aggregate classification (germline): Uncertain significance. Review status: criteria provided, multiple submitters, no conflicts (2 of 4 stars). 4 submissions from 3 submitters: Uncertain significance (4). Last evaluated 2023-04-11.

Conditions:
Ectopia lentis et pupillae. Also called: ECTOPIA LENTIS WITH ECTOPIA OF PUPIL. Identifiers: Orphanet 1885, MedGen C1644196, MONDO:0009153, OMIM 225200.
Ectopia lentis 2, isolated, autosomal recessive (ECTOL2). Identifiers: Orphanet 1885, MedGen C3541474, MONDO:0009152, OMIM 225100.

gnomAD v4.1: 4 of 1,613,702 alleles (0.00025%); highest among the groups gnomAD compares: African/African-American, 0.0053%; no homozygotes.

Submissions (4):

Genome-Nilou Lab
Classification: Uncertain significance for Ectopia lentis et pupillae. Last evaluated: 2023-04-11. Review status: criteria provided, single submitter. Criteria: ACMG Guidelines, 2015. Collection method: clinical testing. Allele origin: germline. Affected: no.

Genome-Nilou Lab
Classification: Uncertain significance for Ectopia lentis 2, isolated, autosomal recessive. Last evaluated: 2023-04-11. Review status: criteria provided, single submitter. Criteria: ACMG Guidelines, 2015. Collection method: clinical testing. Allele origin: germline. Affected: no.

Labcorp Genetics (formerly Invitae), Labcorp
Classification: Uncertain significance. Last evaluated: 2022-06-30. Review status: criteria provided, single submitter. Criteria: Invitae Variant Classification Sherloc (09022015). Collection method: clinical testing. Allele origin: germline.
Comment: This sequence change replaces asparagine, which is neutral and polar, with lysine, which is basic and polar, at codon 814 of the ADAMTSL4 protein (p.Asn814Lys). This variant is present in population databases (no rsID available, gnomAD 0.007%). This variant has not been reported in the literature in individuals affected with ADAMTSL4-related conditions. ClinVar contains an entry for this variant (Variation ID: 827969). Algorithms developed to predict the effect of missense changes on protein structure and function are either unavailable or do not agree on the potential impact of this missense change (SIFT: "Deleterious"; PolyPhen-2: "Benign"; Align-GVGD: "Class C0"). In summary, the available evidence is currently insufficient to determine the role of this variant in disease. Therefore, it has been classified as a Variant of Uncertain Significance.

Center for Genomics, Ann and Robert H. Lurie Children's Hospital of Chicago
Classification: Uncertain significance for Ectopia lentis et pupillae; Ectopia lentis 2, isolated, autosomal recessive. Review status: criteria provided, single submitter. Criteria: ACMG Guidelines, 2015. Collection method: clinical testing. Allele origin: germline.
Comment: ADAMTSL4 NM_019032.5 exon 15 p.Asn814Lys (c.2442T>G): This variant has not been reported in the literature but is present in 0.006% (1/16236) of African alleles in the Genome Aggregation Database. Evolutionary conservation and computational predictive tools suggest that this variant may not impact the protein. In summary, data on this variant is insufficient for disease classification. Therefore, the clinical significance of this variant is uncertain.

NM_019032.6(ADAMTSL4):c.2442T>G (p.Asn814Lys)

Gene: ADAMTSL4 (ADAMTS like 4; plus strand). Cytogenetic location: 1q21.2.
Variant type: single nucleotide variant.
Coding change: c.2442T>G on transcript NM_019032.6 (MANE Select); coding-DNA position 2442, T replaced by G.
Protein change: p.Asn814Lys; replaces asparagine 814 with lysine.
Molecular consequence: missense variant.
Genome position (GRCh38, 1-based): chr1:150,558,532, T>G. VCF-style: chr1-150558532-T-G. GRCh37 (hg19) VCF-style: chr1-150531008-T-G.
Other names: c.2325T>G, p.Asn775Lys (NM_001288607.2); c.2511T>G, p.Asn837Lys (NM_001288608.2); c.2442T>G, p.Asn814Lys (NM_001378596.1, NM_025008.5); short protein forms N775K, N814K, N837K.
Identifiers: ClinVar variation 827969 (VCV000827969.8), dbSNP rs10888382, ClinGen allele CA30072580.